The following is an entry in ClinVar:

NM_177550.5(SLC13A5):c.674C>T (p.Thr225Ile)

Gene: SLC13A5 (solute carrier family 13 member 5; minus strand). Cytogenetic location: 17p13.1.
Variant type: single nucleotide variant.
Coding change: c.674C>T on transcript NM_177550.5 (MANE Select); coding-DNA position 674, C replaced by T.
Protein change: p.Thr225Ile; replaces threonine 225 with isoleucine.
Molecular consequence: missense variant.
Genome position (GRCh38, 1-based): chr17:6,703,012, G>A on the plus strand (C>T on the coding strand, the complement: SLC13A5 is on the minus strand). VCF-style: chr17-6703012-G-A. GRCh37 (hg19) VCF-style: chr17-6606331-G-A.
Other names: c.674C>T, p.Thr225Ile (NM_001143838.3); c.623C>T, p.Thr208Ile (NM_001284509.2); c.545C>T, p.Thr182Ile (NM_001284510.2); short protein forms T225I, T208I, T182I.
Identifiers: ClinVar variation 452996 (VCV000452996.12), dbSNP rs182042247, ClinGen allele CA8331653.

ClinVar aggregate classification (germline): Uncertain significance. Review status: criteria provided, multiple submitters, no conflicts (2 of 4 stars). 3 submissions from 3 submitters: Uncertain significance (3). Last evaluated 2022-08-19.

Conditions:
Developmental and epileptic encephalopathy, 25 (DEE25). Also called: Epileptic encephalopathy, early infantile, 25; Developmental and epileptic encephalopathy 25, with amelogenesis imperfecta; Epileptic encephalopathy, early infantile, 25, with amelogenesis imperfecta. Identifiers: Orphanet 442835, MedGen C4014621, MONDO:0014392, OMIM 615905.

Allele frequency attached by ClinVar (database versions not stated): gnomAD 0.00001 and 0.00005; gnomAD exomes 0.00001 and 0.00003; ExAC 0.00003; TOPMed 0.00003; 1000 Genomes Project 0.00100; 1000 Genomes Project 30x 0.00109.
gnomAD v4.1: 20 of 1,614,236 alleles (0.0012%); highest among the groups gnomAD compares: Admixed American, 0.033%; 1 homozygote.

Submissions (3):

Labcorp Genetics (formerly Invitae), Labcorp
Classification: Uncertain significance for Developmental and epileptic encephalopathy, 25. Last evaluated: 2022-08-19. Review status: criteria provided, single submitter. Criteria: Invitae Variant Classification Sherloc (09022015). Collection method: clinical testing. Allele origin: germline.
Comment: This sequence change replaces threonine, which is neutral and polar, with isoleucine, which is neutral and non-polar, at codon 225 of the SLC13A5 protein (p.Thr225Ile). This variant is present in population databases (rs182042247, gnomAD 0.02%). This variant has not been reported in the literature in individuals affected with SLC13A5-related conditions. ClinVar contains an entry for this variant (Variation ID: 452996). Algorithms developed to predict the effect of missense changes on protein structure and function are either unavailable or do not agree on the potential impact of this missense change (SIFT: "Deleterious"; PolyPhen-2: "Possibly Damaging"; Align-GVGD: "Class C0"). In summary, the available evidence is currently insufficient to determine the role of this variant in disease. Therefore, it has been classified as a Variant of Uncertain Significance.

Genome-Nilou Lab
Classification: Uncertain significance for Developmental and epileptic encephalopathy, 25. Last evaluated: 2021-07-15. Review status: criteria provided, single submitter. Criteria: ACMG Guidelines, 2015. Collection method: clinical testing. Allele origin: germline. Affected: no.

GeneDx
Classification: Uncertain significance. Last evaluated: 2021-02-15. Review status: criteria provided, single submitter. Criteria: GeneDx Variant Classification Process June 2021. Collection method: clinical testing. Allele origin: germline. Affected: yes.
Comment: In silico analysis supports that this missense variant has a deleterious effect on protein structure/function; Has not been previously published as pathogenic or benign to our knowledge